The following is an entry in ClinVar:

ClinVar aggregate classification (germline): Uncertain significance (1 of 4 stars; one submission).

Conditions:
Polycystic kidney disease 8. Identifiers: MedGen C5935640, MONDO:0971178, OMIM 620903.

gnomAD v4.1: 3 of 1,611,918 alleles (0.00019%); highest among the groups gnomAD compares: Admixed American, 0.0017%; no homozygotes.

Submission:

Victorian Clinical Genetics Services, Murdoch Childrens Research Institute
Classification: Uncertain significance for Polycystic kidney disease 8. Last evaluated: 2026-05-22. Review status: criteria provided, single submitter. Criteria: ACMG Guidelines, 2015. Collection method: clinical testing. Allele origin: germline. Affected: yes.
Comment: This variant is classified as VUS-3B. Evidence in support of pathogenic classification: Variant is present in gnomAD <0.01 (v4: 3 heterozygote(s), 0 homozygote(s)); Missense variant predicted to be damaging by in silico tool(s) or highly conserved with a major amino acid change. Additional information: Variant is predicted to result in a missense amino acid change from glycine to arginine; This variant is heterozygous; This gene is associated with both recessive and dominant disease. All variant types have been reported in recessive disease. The emerging dominant association has only been reported in individuals with missense variants (PMID: 26967905, PanelApp); Previous evidence of pathogenicity for this variant is inconclusive. This variant has been reported in a heterozygous state in an individual with ventricular septal defect, patent ductus arteriosus and Down syndrome; they also harboured a heterozygous FBN2 variant (PMID: 30029678); No published segregation evidence has been identified for this variant; No published functional evidence has been identified for this variant; Another missense variant comparable to the one identified in this case has inconclusive previous evidence for pathogenicity. The p.(Gly351Glu) variant has been reported in a heterozygous state in an individual with atrial septal defect, ventricular septal defect and patent ductus arteriosus; they also harboured a heterozygous INVS variant (PMID: 30029678); Variant is not located in an established domain, motif, hotspot or informative constraint region; Loss of function is a known mechanism of disease and is associated with renal-hepatic-pancreatic dysplasia 2 (MIM#615415) and nephronophthisis 9 (MIM#613824). Gain of function is also a suggested mechanism of disease for these disorders. Dominant negative is a suggested mechanism of polycystic kidney disease 8 (MIM#620903); Variants in this gene are known to have variable expressivity (OMIM); Inheritance information for this variant is not currently available in this individual.

Literature cited by the submitters: PubMed 30029678; PubMed 26967905.

NM_178170.3(NEK8):c.1051G>A (p.Gly351Arg)

Gene: NEK8 (NIMA related kinase 8; plus strand). Cytogenetic location: 17q11.2.
Variant type: single nucleotide variant.
Coding change: c.1051G>A on transcript NM_178170.3 (MANE Select); coding-DNA position 1051, G replaced by A.
Protein change: p.Gly351Arg; replaces glycine 351 with arginine.
Molecular consequence: missense variant.
Genome position (GRCh38, 1-based): chr17:28,737,980, G>A. VCF-style: chr17-28737980-G-A. GRCh37 (hg19) VCF-style: chr17-27064998-G-A.
Other names: short protein forms G351R.
Identifiers: ClinVar variation 4531643 (VCV004531643.2).